The following is an entry in ClinVar:

NM_001040716.2(PC):c.229C>T (p.Arg77Trp)

Gene: PC (pyruvate carboxylase; minus strand). Cytogenetic location: 11q13.2.
Variant type: single nucleotide variant.
Coding change: c.229C>T on transcript NM_001040716.2 (MANE Select); coding-DNA position 229, C replaced by T.
Protein change: p.Arg77Trp; replaces arginine 77 with tryptophan.
Molecular consequence: missense variant.
Genome position (GRCh38, 1-based): chr11:66,871,779, G>A on the plus strand (C>T on the coding strand, the complement: PC is on the minus strand). VCF-style: chr11-66871779-G-A. GRCh37 (hg19) VCF-style: chr11-66639250-G-A.
Other names: c.229C>T, p.Arg77Trp (NM_000920.4, NM_022172.3); c.229C>T (NM_000920.3); short protein forms R77W.
Identifiers: ClinVar variation 812772 (VCV000812772.7), dbSNP rs928225163, ClinGen allele CA381502900.

ClinVar aggregate classification (germline): Uncertain significance. Review status: criteria provided, multiple submitters, no conflicts (2 of 4 stars). 3 submissions from 3 submitters: Uncertain significance (2). 1 of the submissions does not count toward it. Last evaluated 2022-07-02.

Conditions:
Inborn genetic diseases. Identifiers: MedGen C0950123, MeSH D030342.
Congenital lactic acidosis. Identifiers: MedGen C4025276, HP:0004902.
Pyruvate carboxylase deficiency. Also called: LEIGH NECROTIZING ENCEPHALOPATHY DUE TO PYRUVATE CARBOXYLASE DEFICIENCY; LEIGH SYNDROME DUE TO PYRUVATE CARBOXYLASE DEFICIENCY; PC DEFICIENCY; Pyruvate Carboxylase Deficiency Disease; ATAXIA WITH LACTIC ACIDOSIS II. Identifiers: Orphanet 3008, MedGen C0034341, MONDO:0009949, OMIM 266150.

Allele frequency attached by ClinVar (database versions not stated): gnomAD exomes below 0.00001.
gnomAD v4.1: 5 of 1,603,318 alleles (0.00031%); highest among the groups gnomAD compares: Non-Finnish European, 0.00043%; no homozygotes.

Submissions (3):

Labcorp Genetics (formerly Invitae), Labcorp
Classification: Uncertain significance for Pyruvate carboxylase deficiency. Last evaluated: 2022-07-02. Review status: criteria provided, single submitter. Criteria: Invitae Variant Classification Sherloc (09022015). Collection method: clinical testing. Allele origin: germline.
Comment: This sequence change replaces arginine, which is basic and polar, with tryptophan, which is neutral and slightly polar, at codon 77 of the PC protein (p.Arg77Trp). In summary, the available evidence is currently insufficient to determine the role of this variant in disease. Therefore, it has been classified as a Variant of Uncertain Significance. Algorithms developed to predict the effect of missense changes on protein structure and function are either unavailable or do not agree on the potential impact of this missense change (SIFT: "Deleterious"; PolyPhen-2: "Probably Damaging"; Align-GVGD: "Class C0"). ClinVar contains an entry for this variant (Variation ID: 812772). This missense change has been observed in individual(s) with PC-related conditions (PMID: 32581362). This variant is not present in population databases (gnomAD no frequency).

Ambry Genetics
Classification: Uncertain significance for Inborn genetic diseases. Last evaluated: 2021-10-01. Review status: criteria provided, single submitter. Criteria: Ambry Variant Classification Scheme 2023. Collection method: clinical testing. Allele origin: germline.

NIHR Bioresource Rare Diseases, University of Cambridge
Classification: Pathogenic for Congenital lactic acidosis. Review status: no assertion criteria provided. Collection method: research. Allele origin: unknown. Affected: yes. Observed: 1 variant allele. Not counted in ClinVar's aggregate classification.

Literature cited by the submitters: PubMed 32581362 (cited by Labcorp Genetics (formerly Invitae), Labcorp and NIHR Bioresource Rare Diseases, University of Cambridge).